The following is an entry in ClinVar:

NM_031229.4(RBCK1):c.167+356T>C

Gene: RBCK1 (RANBP2-type and C3HC4-type zinc finger containing 1; plus strand). Cytogenetic location: 20p13.
Variant type: single nucleotide variant.
Coding change: c.167+356T>C on transcript NM_031229.4 (MANE Select); 356 bases into the intron after coding-DNA position 167, T replaced by C.
Molecular consequence: intron variant.
Genome position (GRCh38, 1-based): chr20:410,381, T>C. VCF-style: chr20-410381-T-C. GRCh37 (hg19) VCF-style: chr20-391025-T-C.
Other names: c.218+356T>C (NM_001410770.1); c.-183+356T>C (NM_001323956.2); c.41+1602T>C (NM_006462.6); c.-183+1602T>C (NM_001323958.2); c.168-31T>C (NM_001323960.2).
Identifiers: ClinVar variation 2628288 (VCV002628288.2), dbSNP rs6139109, ClinGen allele CA9722900.

ClinVar aggregate classification (germline): Benign (1 of 4 stars; one submission).

Allele frequency attached by ClinVar (database versions not stated): TOPMed 0.13770; ESP Exome Variant Server 0.14027; gnomAD 0.14091; gnomAD exomes 0.14299; ExAC 0.15331; 1000 Genomes Project 0.15615; 1000 Genomes Project 30x 0.15881.
gnomAD v4.1: 110,654 of 777,452 alleles (14%); highest among the groups gnomAD compares: East Asian, 22%; 8,620 homozygotes.

Submission:

Unidad de Genómica Garrahan, Hospital de Pediatría Garrahan
Classification: Benign. Last evaluated: 2023-11-12. Review status: criteria provided, single submitter. Criteria: ACMG Guidelines, 2015. Collection method: clinical testing. Allele origin: germline. Affected: no. Observed: 21 variant alleles.
Comment: This variant is classified as Benign based on local population frequency. This variant was detected in 22% of patients studied by a panel of primary immunodeficiencies. Number of patients: 21. Only high quality variants are reported.